The following is an entry in ClinVar:

ClinVar aggregate classification (germline): Pathogenic (1 of 4 stars; one submission).

Conditions:
Metachromatic leukodystrophy (MLD). Also called: Cerebral sclerosis diffuse metachromatic form; SULFATIDE LIPIDOSIS; ARSA DEFICIENCY; CEREBROSIDE SULFATASE DEFICIENCY; METACHROMATIC LEUKOENCEPHALOPATHY; Arylsulfatase A Deficiency. Identifiers: Orphanet 512, MedGen C0023522, MONDO:0018868, OMIM 250100.

Submission:

Labcorp Genetics (formerly Invitae), Labcorp
Classification: Pathogenic for Metachromatic leukodystrophy. Last evaluated: 2018-08-16. Review status: criteria provided, single submitter. Criteria: Invitae Variant Classification Sherloc (09022015). Collection method: clinical testing. Allele origin: germline.
Comment: This sequence change creates a premature translational stop signal (p.Gln53*) in the ARSA gene. It is expected to result in an absent or disrupted protein product. This variant is not present in population databases (ExAC no frequency). This variant has been observed to be homozygous in an individual affected with metachromatic leukodystrophy (PMID: 24001781). This variant is also known as p.Gln51* in the literature. Loss-of-function variants in ARSA are known to be pathogenic (PMID: 8962139, 10477432). For these reasons, this variant has been classified as Pathogenic.

Literature cited by the submitters: PubMed 24001781; PubMed 8962139; PubMed 10477432.

NM_000487.6(ARSA):c.157C>T (p.Gln53Ter)

Gene: ARSA (arylsulfatase A; minus strand). Cytogenetic location: 22q13.33.
Variant type: single nucleotide variant.
Coding change: c.157C>T on transcript NM_000487.6 (MANE Select); coding-DNA position 157, C replaced by T.
Protein change: p.Gln53Ter; replaces glutamine 53 with a stop codon.
Molecular consequence: nonsense. On other transcripts: intron variant (2).
Genome position (GRCh38, 1-based): chr22:50,627,623, G>A on the plus strand (C>T on the coding strand, the complement: ARSA is on the minus strand). VCF-style: chr22-50627623-G-A. GRCh37 (hg19) VCF-style: chr22-51066051-G-A.
Other names: c.157C>T, p.Gln53Ter (NM_001085425.3, NM_001085426.3, NM_001085427.3); c.-34-217C>T (NM_001362782.2, NM_001085428.3); short protein forms Q53*.
Identifiers: ClinVar variation 651844 (VCV000651844.8), dbSNP rs1603445026, ClinGen allele CA412182548.